The following is an entry in ClinVar:

NM_015158.5(KANK1):c.3091C>T (p.Pro1031Ser)

Gene: KANK1 (KN motif and ankyrin repeat domains 1; plus strand). Cytogenetic location: 9p24.3.
Variant type: single nucleotide variant.
Coding change: c.3091C>T on transcript NM_015158.5 (MANE Select); coding-DNA position 3091, C replaced by T.
Protein change: p.Pro1031Ser; replaces proline 1031 with serine.
Molecular consequence: missense variant. On other transcripts: intron variant (5).
Genome position (GRCh38, 1-based): chr9:732,463, C>T. VCF-style: chr9-732463-C-T. GRCh37 (hg19) VCF-style: chr9-732463-C-T.
Other names: c.3091C>T, p.Pro1031Ser (NM_001256876.3, NM_001256877.3, NM_001354334.2); c.3037C>T, p.Pro1013Ser (NM_001354332.2); c.2617C>T, p.Pro873Ser (NM_001354333.2, NM_001354335.2, NM_001354337.2 and 2 more transcripts); c.2563C>T, p.Pro855Ser (NM_001354338.2, NM_001354340.2, NM_001354344.2); c.3005+1197C>T (NM_001354331.2); c.2477+1197C>T (NM_001354336.2); c.2531+1197C>T (NM_001354339.2, NM_001354343.2, NM_001354342.2); short protein forms P1013S, P1031S, P855S, P873S.
Identifiers: ClinVar variation 1719994 (VCV001719994.5), dbSNP rs1832568139, ClinGen allele CA372757235.

ClinVar aggregate classification (germline): Uncertain significance (1 of 4 stars; one submission).

Submission:

Labcorp Genetics (formerly Invitae), Labcorp
Classification: Uncertain significance. Last evaluated: 2022-09-21. Review status: criteria provided, single submitter. Criteria: Invitae Variant Classification Sherloc (09022015). Collection method: clinical testing. Allele origin: germline.
Comment: In summary, the available evidence is currently insufficient to determine the role of this variant in disease. Therefore, it has been classified as a Variant of Uncertain Significance. Algorithms developed to predict the effect of missense changes on protein structure and function (SIFT, PolyPhen-2, Align-GVGD) all suggest that this variant is likely to be tolerated. This variant has not been reported in the literature in individuals affected with KANK1-related conditions. This variant is not present in population databases (gnomAD no frequency). This sequence change replaces proline, which is neutral and non-polar, with serine, which is neutral and polar, at codon 1031 of the KANK1 protein (p.Pro1031Ser).